The following is an entry in ClinVar:

ClinVar aggregate classification (germline): Uncertain significance. Review status: criteria provided, multiple submitters, no conflicts (2 of 4 stars). 2 submissions from 2 submitters: Uncertain significance (2). Last evaluated 2023-08-04.

Conditions:
Epileptic encephalopathy. Identifiers: MedGen C0543888, HP:0200134.

Allele frequency attached by ClinVar (database versions not stated): TOPMed below 0.00001; ExAC 0.00001; gnomAD 0.00001; gnomAD exomes 0.00002.
gnomAD v4.1: 30 of 1,612,880 alleles (0.0019%); highest among the groups gnomAD compares: East Asian, 0.0067%; no homozygotes.

Submissions (2):

Labcorp Genetics (formerly Invitae), Labcorp
Classification: Uncertain significance for Epileptic encephalopathy. Last evaluated: 2023-08-04. Review status: criteria provided, single submitter. Criteria: Invitae Variant Classification Sherloc (09022015). Collection method: clinical testing. Allele origin: germline.
Comment: This sequence change replaces arginine, which is basic and polar, with histidine, which is basic and polar, at codon 2482 of the FASN protein (p.Arg2482His). This variant is present in population databases (rs758552144, gnomAD 0.003%). This variant has not been reported in the literature in individuals affected with FASN-related conditions. ClinVar contains an entry for this variant (Variation ID: 1472230). An algorithm developed to predict the effect of missense changes on protein structure and function (PolyPhen-2) suggests that this variant is likely to be tolerated. In summary, the available evidence is currently insufficient to determine the role of this variant in disease. Therefore, it has been classified as a Variant of Uncertain Significance.

Ambry Genetics
Classification: Uncertain significance. Last evaluated: 2023-06-21. Review status: criteria provided, single submitter. Criteria: Ambry Variant Classification Scheme 2023. Collection method: clinical testing. Allele origin: germline.

NM_004104.5(FASN):c.7445G>A (p.Arg2482His)

Gene: FASN (fatty acid synthase; minus strand). Cytogenetic location: 17q25.3.
Variant type: single nucleotide variant.
Coding change: c.7445G>A on transcript NM_004104.5 (MANE Select); coding-DNA position 7445, G replaced by A.
Protein change: p.Arg2482His; replaces arginine 2482 with histidine.
Molecular consequence: missense variant.
Genome position (GRCh38, 1-based): chr17:82,079,234, C>T on the plus strand (G>A on the coding strand, the complement: FASN is on the minus strand). VCF-style: chr17-82079234-C-T. GRCh37 (hg19) VCF-style: chr17-80037110-C-T.
Other names: c.7445G>A (NM_004104.4); short protein forms R2482H.
Identifiers: ClinVar variation 1472230 (VCV001472230.8), dbSNP rs758552144, ClinGen allele CA8850983.
Genomic context (GRCh38, chr17:82,079,234, plus strand): 5'-GCCAGGGAGCTGTGGATGATGCTGATGATGGACTCCAGGCCGCTGCCCTCCAGCAGCGTG[C>T]GGTGGTCACCCTCGATGACGTGGACGGATACTTTCCCGTCGCATACCTGCAGGGGATGCG-3'
Protein context (NP_004095.4, residues 2472-2492): VSVHVIEGDH[Arg2482His]TLLEGSGLES